The following is an entry in ClinVar:

ClinVar aggregate classification (germline): Uncertain significance (1 of 4 stars; one submission).

gnomAD v4.1: 5 of 1,612,034 alleles (0.00031%); highest among the groups gnomAD compares: Non-Finnish European, 0.00042%; no homozygotes.

Submission:

Labcorp Genetics (formerly Invitae), Labcorp
Classification: Uncertain significance. Last evaluated: 2024-03-06. Review status: criteria provided, single submitter. Criteria: Invitae Variant Classification Sherloc (09022015). Collection method: clinical testing. Allele origin: germline.
Comment: This sequence change replaces isoleucine, which is neutral and non-polar, with asparagine, which is neutral and polar, at codon 135 of the IL6ST protein (p.Ile135Asn). This variant is present in population databases (rs767520978, gnomAD 0.002%). This variant has not been reported in the literature in individuals affected with IL6ST-related conditions. An algorithm developed to predict the effect of missense changes on protein structure and function (PolyPhen-2) suggests that this variant is likely to be disruptive. In summary, the available evidence is currently insufficient to determine the role of this variant in disease. Therefore, it has been classified as a Variant of Uncertain Significance.

NM_002184.4(IL6ST):c.404T>A (p.Ile135Asn)

Gene: IL6ST (interleukin 6 cytokine family signal transducer; minus strand). Cytogenetic location: 5q11.2.
Variant type: single nucleotide variant.
Coding change: c.404T>A on transcript NM_002184.4 (MANE Select); coding-DNA position 404, T replaced by A.
Protein change: p.Ile135Asn; replaces isoleucine 135 with asparagine.
Molecular consequence: missense variant. On other transcripts: non-coding transcript variant (2), intron variant (3).
Genome position (GRCh38, 1-based): chr5:55,968,363, A>T on the plus strand (T>A on the coding strand, the complement: IL6ST is on the minus strand). VCF-style: chr5-55968363-A-T. GRCh37 (hg19) VCF-style: chr5-55264191-A-T.
Other names: c.404T>A, p.Ile135Asn (NM_001190981.2, NM_001364275.2, NM_175767.3); c.194T>A, p.Ile65Asn (NM_001364276.2); c.-423+1187T>A (NM_001364279.2, NM_001364277.2); c.-413+1187T>A (NM_001364278.2); short protein forms I135N, I65N.
Identifiers: ClinVar variation 3618454 (VCV003618454.2).